The following is an entry in ClinVar:

ClinVar aggregate classification (germline): Uncertain significance (1 of 4 stars; one submission).

Conditions:
Catecholaminergic polymorphic ventricular tachycardia 1. Also called: VENTRICULAR TACHYCARDIA, CATECHOLAMINERGIC POLYMORPHIC, 1, WITH OR WITHOUT ATRIAL DYSFUNCTION AND/OR DILATED CARDIOMYOPATHY; VENTRICULAR TACHYCARDIA, STRESS-INDUCED POLYMORPHIC 1; RYR2-Related Catecholaminergic Polymorphic Ventricular Tachycardia. Identifiers: Orphanet 3286, MedGen C1631597, MONDO:0011484, OMIM 604772.

Submission:

Labcorp Genetics (formerly Invitae), Labcorp
Classification: Uncertain significance for Catecholaminergic polymorphic ventricular tachycardia 1. Last evaluated: 2022-04-09. Review status: criteria provided, single submitter. Criteria: Invitae Variant Classification Sherloc (09022015). Collection method: clinical testing. Allele origin: germline.
Comment: In summary, the available evidence is currently insufficient to determine the role of this variant in disease. Therefore, it has been classified as a Variant of Uncertain Significance. This variant has not been reported in the literature in individuals affected with TRDN-related conditions. This variant is not present in population databases (gnomAD no frequency). This sequence change creates a premature translational stop signal (p.Gln286Thrfs*13) in the TRDN gene. It is expected to result in an absent or disrupted protein product. However, the current clinical and genetic evidence is not sufficient to establish whether loss-of-function variants in TRDN cause disease.

NM_006073.4(TRDN):c.856_890del (p.Gln286fs)

Genes: TRDN (triadin; minus strand), TRDN-AS1 (TRDN antisense RNA 1; plus strand). Cytogenetic location: 6q22.31.
Variant type: Deletion.
Coding change: c.856_890del on transcript NM_006073.4 (MANE Select); coding-DNA positions 856 to 890, 35 bases deleted.
Protein change: p.Gln286fs; shifts the reading frame from glutamine 286.
Molecular consequence: frameshift variant.
Genome position (GRCh38, 1-based): chr6:123,464,947-123,464,981, 35 bases deleted; deleting any 35 consecutive bases within chr6:123,464,947-123,464,983 gives the same sequence; the c. name uses the placement nearest the transcript's 3' end. GRCh37 (hg19): chr6:123,786,094-123,786,128.
Other names: c.856_890del, p.Gln286fs (NM_001251987.2); c.796_830del, p.Gln266fs (NM_001256020.2); c.794_828del35, p.Gln266Thrfs (NM_001407315.1); short protein forms Q286fs, Q266fs.
Identifiers: ClinVar variation 2123754 (VCV002123754.4), dbSNP rs2534151783, ClinGen allele CA2580074865.
Genomic context (GRCh38, chr6:123,464,946, plus strand): 5'-AGAAAAAAAAAAGTACTTGCCTTCAAGGGCAGGTGATGCCGGAGTGGGTCTGGAAGCTTG[TTCTGTCGGTAAGGGAGGTGGAATGGCTGGGCTTTG>T]TCCTACACAATGTAGAAGTAGGAATTGGAAAAAAAAAAGTATTAACAAATCTAATATCCA-3'